The following is an entry in ClinVar:

ClinVar aggregate classification (germline): Uncertain significance (1 of 4 stars; one submission).

Conditions:
Autosomal recessive severe congenital neutropenia due to CSF3R deficiency. Also called: Neutropenia, severe congenital, 7, autosomal recessive. Identifiers: Orphanet 420702, MedGen C4310764, MONDO:0014865, OMIM 617014.

Submission:

Labcorp Genetics (formerly Invitae), Labcorp
Classification: Uncertain significance for Autosomal recessive severe congenital neutropenia due to CSF3R deficiency. Last evaluated: 2023-02-08. Review status: criteria provided, single submitter. Criteria: Invitae Variant Classification Sherloc (09022015). Collection method: clinical testing. Allele origin: germline.
Comment: In summary, the available evidence is currently insufficient to determine the role of this variant in disease. Therefore, it has been classified as a Variant of Uncertain Significance. Advanced modeling of protein sequence and biophysical properties (such as structural, functional, and spatial information, amino acid conservation, physicochemical variation, residue mobility, and thermodynamic stability) performed at Invitae indicates that this missense variant is expected to disrupt CSF3R protein function. ClinVar contains an entry for this variant (Variation ID: 852647). This variant has not been reported in the literature in individuals affected with CSF3R-related conditions. This variant is not present in population databases (gnomAD no frequency). This sequence change replaces tryptophan, which is neutral and slightly polar, with arginine, which is basic and polar, at codon 477 of the CSF3R protein (p.Trp477Arg).

NM_000760.4(CSF3R):c.1429T>C (p.Trp477Arg)

Gene: CSF3R (colony stimulating factor 3 receptor; minus strand). Cytogenetic location: 1p34.3.
Variant type: single nucleotide variant.
Coding change: c.1429T>C on transcript NM_000760.4 (MANE Select); coding-DNA position 1429, T replaced by C.
Protein change: p.Trp477Arg; replaces tryptophan 477 with arginine.
Molecular consequence: missense variant.
Genome position (GRCh38, 1-based): chr1:36,469,697, A>G on the plus strand (T>C on the coding strand, the complement: CSF3R is on the minus strand). VCF-style: chr1-36469697-A-G. GRCh37 (hg19) VCF-style: chr1-36935298-A-G.
Other names: c.1429T>C, p.Trp477Arg (NM_156039.3, NM_172313.3); short protein forms W477R.
Identifiers: ClinVar variation 852647 (VCV000852647.4), dbSNP rs879052375, ClinGen allele CA20744400.
Genomic context (GRCh38, chr1:36,469,697, plus strand): 5'-CCAGGCCAGCCTCACCCTTCAGCAGAAACCCCGTGGCTCTCCCATTCTGTTCCATCCTCC[A>G]GGTCTTGTTGCTATTGCTCGCGCTGGGGGGGCCCAGGCCCCACTCAATCACATAGCCCTG-3'
Protein context (NP_000751.1, residues 467-487): PPSASNSNKT[Trp477Arg]RMEQNGRATG